The following is an entry in ClinVar:

NM_001042492.3(NF1):c.1182del (p.Phe394fs)

Gene: NF1 (neurofibromin 1; plus strand). Cytogenetic location: 17q11.2.
Variant type: Deletion.
Coding change: c.1182del on transcript NM_001042492.3 (MANE Select); coding-DNA position 1182, one base deleted (T; older notation c.1182delT).
Protein change: p.Phe394fs; shifts the reading frame from phenylalanine 394.
Molecular consequence: frameshift variant.
Genome position (GRCh38, 1-based): chr17:31,201,156, T deleted; the last of 3 consecutive T bases (chr17:31,201,154-31,201,156); deleting any one gives the same sequence. VCF-style (leftmost placement, unchanged base first): chr17-31201153-CT-C. GRCh37 (hg19) VCF-style: chr17-29528171-CT-C.
Other names: c.1182delT, p.Phe394Leufs (NM_000267.4); c.1182del, p.Phe394fs (NM_001128147.3); short protein forms F394fs.
Identifiers: ClinVar variation 2699090 (VCV002699090.3), dbSNP rs1597682159, ClinGen allele CA2697559699.

ClinVar aggregate classification (germline): Pathogenic (1 of 4 stars; one submission).

Conditions:
Neurofibromatosis, type 1 (NF1). Also called: Peripheral type neurofibromatosis; VON RECKLINGHAUSEN DISEASE; Neurofibromatosis, type I; NEUROFIBROMATOSIS, TYPE I, SOMATIC. Identifiers: Orphanet 636, MedGen C0027831, MONDO:0018975, OMIM 162200. Disease mechanism: loss of function.

Submission:

Labcorp Genetics (formerly Invitae), Labcorp
Classification: Pathogenic for Neurofibromatosis, type 1. Last evaluated: 2024-03-13. Review status: criteria provided, single submitter. Criteria: Invitae Variant Classification Sherloc (09022015). Collection method: clinical testing. Allele origin: germline.
Comment: This sequence change creates a premature translational stop signal (p.Phe394Leufs*18) in the NF1 gene. It is expected to result in an absent or disrupted protein product. Loss-of-function variants in NF1 are known to be pathogenic (PMID: 10712197, 23913538). This variant is not present in population databases (gnomAD no frequency). This variant has not been reported in the literature in individuals affected with NF1-related conditions. For these reasons, this variant has been classified as Pathogenic.

Literature cited by the submitters: PubMed 10712197; PubMed 23913538.